The following is an entry in ClinVar:

NM_000093.5(COL5A1):c.1724C>G (p.Pro575Arg)

Gene: COL5A1 (collagen type V alpha 1 chain; plus strand). Cytogenetic location: 9q34.3.
Variant type: single nucleotide variant.
Coding change: c.1724C>G on transcript NM_000093.5 (MANE Select); coding-DNA position 1724, C replaced by G.
Protein change: p.Pro575Arg; replaces proline 575 with arginine.
Molecular consequence: missense variant.
Genome position (GRCh38, 1-based): chr9:134,753,854, C>G. VCF-style: chr9-134753854-C-G. GRCh37 (hg19) VCF-style: chr9-137645700-C-G.
Other names: c.1724C>G, p.Pro575Arg (NM_001278074.1); short protein forms P575R.
Identifiers: ClinVar variation 2448289 (VCV002448289.2), dbSNP rs1192447986, ClinGen allele CA375444769.

ClinVar aggregate classification (germline): Uncertain significance (1 of 4 stars; one submission).

Conditions:
Familial thoracic aortic aneurysm and aortic dissection (TAAD). Also called: Thoracic aortic aneurysms and dissections. Identifiers: Orphanet 91387, MedGen C4707243, MONDO:0019625.

Submission:

Ambry Genetics
Classification: Uncertain significance for Familial thoracic aortic aneurysm and aortic dissection. Last evaluated: 2023-02-17. Review status: criteria provided, single submitter. Criteria: Ambry Variant Classification Scheme 2023. Collection method: clinical testing. Allele origin: germline.
Comment: The p.P575R variant (also known as c.1724C>G), located in coding exon 15 of the COL5A1 gene, results from a C to G substitution at nucleotide position 1724. The proline at codon 575 is replaced by arginine, an amino acid with dissimilar properties. This amino acid position is well conserved in available vertebrate species. In addition, the in silico prediction for this alteration is inconclusive. Since supporting evidence is limited at this time, the clinical significance of this alteration remains unclear.